The following is an entry in ClinVar:

ClinVar aggregate classification (germline): Pathogenic/Likely pathogenic. Review status: criteria provided, multiple submitters, no conflicts (2 of 4 stars). 3 submissions from 3 submitters: Pathogenic (2); Likely pathogenic (1). Last evaluated 2025-11-12.

Conditions:
Polycystic kidney disease 4 (PKD4). Also called: POLYCYSTIC KIDNEY AND HEPATIC DISEASE 1; POLYCYSTIC KIDNEY DISEASE, INFANTILE, TYPE I; PKD3; Autosomal Recessive Polycystic Kidney Disease – PKHD1; POLYCYSTIC KIDNEY DISEASE 4 WITH OR WITHOUT POLYCYSTIC LIVER DISEASE. Identifiers: MedGen C4540575, MONDO:0033004, OMIM 263200.
Autosomal recessive polycystic kidney disease (ARPKD). Also called: AR polycystic kidney disease. Identifiers: Orphanet 731, Orphanet 8378, MedGen C0085548, MeSH D017044, MONDO:0009889.

Submissions (3):

Myriad Genetics, Inc.
Classification: Pathogenic for Polycystic kidney disease 4. Last evaluated: 2025-11-12. Review status: criteria provided, single submitter. Criteria: Myriad Autosomal Dominant, Autosomal Recessive and X-Linked Classification Criteria (2023). Collection method: clinical testing. Allele origin: unknown.
Comment: NM_138694.3(PKHD1):c.1644delA(K548Nfs*60) is expected to be pathogenic in the context of autosomal recessive polycystic kidney disease, PKHD1-related. This variant is predicted to lead to an abnormal or absent protein product due to the creation of a premature termination codon in PKHD1, a gene where loss-of-function variants are known to be pathogenic. Please note: this variant was assessed in the context of healthy population screening.

Baylor Genetics
Classification: Likely pathogenic for Polycystic kidney disease 4. Last evaluated: 2024-03-05. Review status: criteria provided, single submitter. Criteria: ACMG Guidelines, 2015. Collection method: clinical testing. Allele origin: unknown.

Labcorp Genetics (formerly Invitae), Labcorp
Classification: Pathogenic for Autosomal recessive polycystic kidney disease. Last evaluated: 2023-08-20. Review status: criteria provided, single submitter. Criteria: Invitae Variant Classification Sherloc (09022015). Collection method: clinical testing. Allele origin: germline.
Comment: This sequence change creates a premature translational stop signal (p.Lys548Asnfs*60) in the PKHD1 gene. It is expected to result in an absent or disrupted protein product. Loss-of-function variants in PKHD1 are known to be pathogenic (PMID: 19940839). This variant is not present in population databases (gnomAD no frequency). For these reasons, this variant has been classified as Pathogenic. This variant has not been reported in the literature in individuals affected with PKHD1-related conditions.

Literature cited by the submitters: PubMed 19940839 (cited by Labcorp Genetics (formerly Invitae), Labcorp).

NM_138694.4(PKHD1):c.1644del (p.Lys548fs)

Gene: PKHD1 (PKHD1 ciliary IPT domain containing fibrocystin/polyductin; minus strand). Cytogenetic location: 6p12.2.
Variant type: Deletion.
Coding change: c.1644del on transcript NM_138694.4 (MANE Select); coding-DNA position 1644, one base deleted (A; older notation c.1644delA).
Protein change: p.Lys548fs; shifts the reading frame from lysine 548.
Molecular consequence: frameshift variant.
Genome position (GRCh38, 1-based): chr6:52,056,747, T deleted on the plus strand (A on the coding strand, the reverse complement: PKHD1 is on the minus strand); the first of 3 consecutive T bases (chr6:52,056,747-52,056,749); deleting any one gives the same sequence. VCF-style (leftmost placement, unchanged base first): chr6-52056746-GT-G. GRCh37 (hg19) VCF-style: chr6-51921544-GT-G.
Other names: c.1644del, p.Lys548fs (NM_170724.3); short protein forms K548fs.
Identifiers: ClinVar variation 2754177 (VCV002754177.5), dbSNP rs2533336771, ClinGen allele CA2697553420.